The following is an entry in ClinVar:

NM_000059.4(BRCA2):c.9658C>T (p.Pro3220Ser)

Gene: BRCA2 (BRCA2 DNA repair associated; plus strand). Cytogenetic location: 13q13.1.
Variant type: single nucleotide variant.
Coding change: c.9658C>T on transcript NM_000059.4 (MANE Select); coding-DNA position 9658, C replaced by T.
Protein change: p.Pro3220Ser; replaces proline 3220 with serine.
Molecular consequence: missense variant.
Genome position (GRCh38, 1-based): chr13:32,398,171, C>T. VCF-style: chr13-32398171-C-T. GRCh37 (hg19) VCF-style: chr13-32972308-C-T.
Other names: short protein forms P3220S.
Identifiers: ClinVar variation 52887 (VCV000052887.14), dbSNP rs80359236, ClinGen allele CA026260.
Genomic context (GRCh38, chr13:32,398,171, plus strand): 5'-TTTTATGTTACTACATAATTATGATAGGCTACGTTTTCATTTTTTTATCAGATGTCTTCT[C>T]CTAATTGTGAGATATATTATCAAAGTCCTTTATCACTTTGTATGGCCAAAAGGAAGTCTG-3'
Protein context (NP_000050.3, residues 3210-3230): GTGNKLLMSS[Pro3220Ser]NCEIYYQSPL

ClinVar aggregate classification (germline): Uncertain significance. Review status: criteria provided, multiple submitters, no conflicts (2 of 4 stars). 4 submissions from 4 submitters: Uncertain significance (3). 1 of the submissions does not count toward it. Last evaluated 2024-03-05.

Conditions:
Hereditary breast ovarian cancer syndrome. Also called: Hereditary breast and ovarian cancer syndrome; Hereditary breast and ovarian cancer; Hereditary breast and ovarian cancer syndrome (HBOC); Breast and ovarian cancer; Hereditary breast and/or ovarian cancer syndrome; BRCA1- and BRCA2-Associated Hereditary Breast and Ovarian Cancer. Identifiers: Orphanet 145, MedGen C0677776, MeSH D061325, MONDO:0003582. Disease mechanism: loss of function.
BRCA2-related cancer predisposition. Identifiers: MedGen CN377758, MONDO:0700269.
Breast-ovarian cancer, familial, susceptibility to, 2 (BROVCA2). Also called: BRCA2 Hereditary Breast and Ovarian Cancer. Identifiers: Orphanet 145, MedGen C2675520, MONDO:0012933, OMIM 612555. Disease mechanism: loss of function.

Submissions (4):

All of Us Research Program, National Institutes of Health
Classification: Uncertain significance for BRCA2-related cancer predisposition. Last evaluated: 2024-03-05. Review status: criteria provided, single submitter. Criteria: ACMG Guidelines, 2015. Collection method: clinical testing. Allele origin: germline. Inheritance: Autosomal dominant inheritance. Observed: 2 variant alleles, 2 heterozygotes.
Comment: This study involves interpretation of variants in research participants for the purpose of population health screening. Participant phenotype was not available at the time of variant classification. Additional details can be found in publication PMID: 35346344, PMCID: PMC8962531

Labcorp Genetics (formerly Invitae), Labcorp
Classification: Uncertain significance for Hereditary breast ovarian cancer syndrome. Last evaluated: 2020-07-15. Review status: criteria provided, single submitter. Criteria: Invitae Variant Classification Sherloc (09022015). Collection method: clinical testing. Allele origin: germline.
Comment: In summary, the available evidence is currently insufficient to determine the role of this variant in disease. Therefore, it has been classified as a Variant of Uncertain Significance. Algorithms developed to predict the effect of missense changes on protein structure and function output the following: SIFT: "Tolerated"; PolyPhen-2: "Possibly Damaging"; Align-GVGD: "Class C0". The serine amino acid residue is found in multiple mammalian species, suggesting that this missense change does not adversely affect protein function. These predictions have not been confirmed by published functional studies and their clinical significance is uncertain. This variant has been reported in individuals in the Breast Cancer Information Core database (PMID: 10923033). ClinVar contains an entry for this variant (Variation ID: 52887). This variant is not present in population databases (ExAC no frequency). This sequence change replaces proline with serine at codon 3220 of the BRCA2 protein (p.Pro3220Ser). The proline residue is moderately conserved and there is a moderate physicochemical difference between proline and serine.

Quest Diagnostics Nichols Institute San Juan Capistrano
Classification: Uncertain significance. Last evaluated: 2020-03-26. Review status: criteria provided, single submitter. Criteria: Quest Diagnostics criteria. Collection method: clinical testing. Allele origin: unknown.

Breast Cancer Information Core (BIC) (BRCA2)
Classification: Uncertain significance for Breast-ovarian cancer, familial 2. Review status: no assertion criteria provided. Collection method: clinical testing. Allele origin: germline. Affected: yes. Observed: 1 variant allele. Not counted in ClinVar's aggregate classification.

Literature cited by the submitters: PubMed 10923033 (cited by Labcorp Genetics (formerly Invitae), Labcorp).